The following is an entry in ClinVar:

NM_001374736.1(DST):c.19559A>T (p.Glu6520Val)

Gene: DST (dystonin; minus strand). Cytogenetic location: 6p12.1.
Variant type: single nucleotide variant.
Coding change: c.19559A>T on transcript NM_001374736.1 (MANE Select); coding-DNA position 19559, A replaced by T.
Protein change: p.Glu6520Val; replaces glutamic acid 6520 with valine.
Molecular consequence: missense variant.
Genome position (GRCh38, 1-based): chr6:56,504,004, T>A on the plus strand (A>T on the coding strand, the complement: DST is on the minus strand). VCF-style: chr6-56504004-T-A. GRCh37 (hg19) VCF-style: chr6-56368802-T-A.
Other names: c.13202A>T, p.Glu4401Val (NM_001144769.5); c.12788A>T, p.Glu4263Val (NM_001144770.2); c.19559A>T, p.Glu6520Val (NM_001374722.1); c.18599A>T, p.Glu6200Val (NM_001374729.1); c.12341A>T, p.Glu4114Val (NM_001374730.1); c.19586A>T, p.Glu6529Val (NM_001374734.1); c.12668A>T, p.Glu4223Val (NM_001386100.1, NM_183380.4); c.11690A>T, p.Glu3897Val (NM_015548.5); short protein forms E6200V, E6529V, E4263V, E3897V, E6520V, E4114V, E4223V, E4401V.
Identifiers: ClinVar variation 1994269 (VCV001994269.1), dbSNP rs2534210330, ClinGen allele CA364521543.

ClinVar aggregate classification (germline): Uncertain significance (1 of 4 stars; one submission).

Conditions:
Epidermolysis bullosa simplex 3, localized or generalized intermediate, with BP230 deficiency (EBS3). Also called: Epidermolysis bullosa simplex, autosomal recessive 2; Epidermolysis bullosa simplex due to BP230 deficiency. Identifiers: Orphanet 412181, MedGen C3809470, MONDO:0014180, OMIM 615425.
Hereditary sensory and autonomic neuropathy type 6. Also called: Neuropathy, hereditary sensory and autonomic, type VI; HSAN VI. Identifiers: Orphanet 314381, MedGen C3539003, MONDO:0013839, OMIM 614653.

Allele frequency attached by ClinVar (database versions not stated): gnomAD exomes below 0.00001.

Submission:

Labcorp Genetics (formerly Invitae), Labcorp
Classification: Uncertain significance for Epidermolysis bullosa simplex 3, localized or generalized intermediate, with BP230 deficiency; Hereditary sensory and autonomic neuropathy type 6. Last evaluated: 2022-05-14. Review status: criteria provided, single submitter. Criteria: Invitae Variant Classification Sherloc (09022015). Collection method: clinical testing. Allele origin: germline.
Comment: The DST gene has multiple clinically relevant transcripts. This variant occurs in alternate transcript NM_015548.4, and corresponds to NM_001723.5:c.*111513A>T in the primary transcript. This sequence change replaces glutamic acid, which is acidic and polar, with valine, which is neutral and non-polar, at codon 3897 of the DST protein (p.Glu3897Val). This variant is not present in population databases (gnomAD no frequency). This variant has not been reported in the literature in individuals affected with DST-related conditions. Experimental studies and prediction algorithms are not available or were not evaluated, and the functional significance of this variant is currently unknown. In summary, the available evidence is currently insufficient to determine the role of this variant in disease. Therefore, it has been classified as a Variant of Uncertain Significance.